The following is an entry in ClinVar:

ClinVar aggregate classification (germline): Uncertain significance. Review status: criteria provided, multiple submitters, no conflicts (2 of 4 stars). 3 submissions from 3 submitters: Uncertain significance (3). Last evaluated 2025-04-20.

Conditions:
Hereditary spastic paraplegia 47. Also called: Spastic paraplegia 47, autosomal recessive; adaptor protein 4 (AP-4) deficiency syndrome; CEREBRAL PALSY, SPASTIC QUADRIPLEGIC, 5. Identifiers: Orphanet 280763, MedGen C3279738, MONDO:0013551, OMIM 614066.
Inborn genetic diseases. Identifiers: MedGen C0950123, MeSH D030342.

Allele frequency attached by ClinVar (database versions not stated): gnomAD exomes below 0.00001; ExAC 0.00001; gnomAD 0.00001; TOPMed 0.00001.

Submissions (3):

Ambry Genetics
Classification: Uncertain significance for Inborn genetic diseases. Last evaluated: 2025-04-20. Review status: criteria provided, single submitter. Criteria: Ambry Variant Classification Scheme 2023. Collection method: clinical testing. Allele origin: germline.

Labcorp Genetics (formerly Invitae), Labcorp
Classification: Uncertain significance for Hereditary spastic paraplegia 47. Last evaluated: 2022-10-24. Review status: criteria provided, single submitter. Criteria: Invitae Variant Classification Sherloc (09022015). Collection method: clinical testing. Allele origin: germline.
Comment: This sequence change replaces isoleucine, which is neutral and non-polar, with threonine, which is neutral and polar, at codon 174 of the AP4B1 protein (p.Ile174Thr). This variant is present in population databases (rs774630556, gnomAD 0.006%). This variant has not been reported in the literature in individuals affected with AP4B1-related conditions. Advanced modeling of protein sequence and biophysical properties (such as structural, functional, and spatial information, amino acid conservation, physicochemical variation, residue mobility, and thermodynamic stability) performed at Invitae indicates that this missense variant is not expected to disrupt AP4B1 protein function. In summary, the available evidence is currently insufficient to determine the role of this variant in disease. Therefore, it has been classified as a Variant of Uncertain Significance.

Blueprint Genetics
Classification: Uncertain significance. Last evaluated: 2018-09-05. Review status: criteria provided, single submitter. Criteria: ACMG Guidelines, 2015. Collection method: clinical testing. Allele origin: germline.

NM_001253852.3(AP4B1):c.521T>C (p.Ile174Thr)

Gene: AP4B1 (adaptor related protein complex 4 subunit beta 1; minus strand). Cytogenetic location: 1p13.2.
Variant type: single nucleotide variant.
Coding change: c.521T>C on transcript NM_001253852.3 (MANE Select); coding-DNA position 521, T replaced by C.
Protein change: p.Ile174Thr; replaces isoleucine 174 with threonine.
Molecular consequence: missense variant. On other transcripts: intron variant (1).
Genome position (GRCh38, 1-based): chr1:113,901,332, A>G on the plus strand (T>C on the coding strand, the complement: AP4B1 is on the minus strand). VCF-style: chr1-113901332-A-G. GRCh37 (hg19) VCF-style: chr1-114443954-A-G.
Other names: c.224T>C, p.Ile75Thr (NM_001253853.3); c.521T>C, p.Ile174Thr (NM_006594.5); c.114-932T>C (NM_001308312.2); c.521T>C (NM_006594.2); short protein forms I75T, I174T.
Identifiers: ClinVar variation 2151801 (VCV002151801.6), dbSNP rs774630556, ClinGen allele CA1016074.